The following is an entry in ClinVar:

NC_000015.9:g.(?_51510718)_(51514742_?)del

Gene: CYP19A1 (cytochrome P450 family 19 subfamily A member 1; minus strand). Cytogenetic location: 15q21.2.
Variant type: Deletion.
Identifiers: ClinVar variation 3243898 (VCV003243898.1).

ClinVar aggregate classification (germline): Pathogenic (1 of 4 stars; one submission).

Submission:

Labcorp Genetics (formerly Invitae), Labcorp
Classification: Pathogenic. Last evaluated: 2023-08-24. Review status: criteria provided, single submitter. Criteria: Invitae Variant Classification Sherloc (09022015). Collection method: clinical testing. Allele origin: unknown.
Comment: For these reasons, this variant has been classified as Pathogenic. This variant has not been reported in the literature in individuals affected with CYP19A1-related conditions. This variant is a gross deletion of the genomic region encompassing exon(s) 6-7 of the CYP19A1 gene. This deletion is out-of-frame, and is expected to create a premature termination codon and result in an absent or disrupted protein product. Loss-of-function variants in CYP19A1 are known to be pathogenic (PMID: 14602738, 27086564, 27256151).

Literature cited by the submitters: PubMed 14602738; PubMed 27086564; PubMed 27256151.